The following is an entry in ClinVar:

NM_001267550.2(TTN):c.39973+1G>T

Gene: TTN (titin; minus strand). Cytogenetic location: 2q31.2.
Variant type: single nucleotide variant.
Coding change: c.39973+1G>T on transcript NM_001267550.2 (MANE Select); the canonical splice donor site of the intron after coding-DNA position 39973, G replaced by T.
Molecular consequence: splice donor variant. On other transcripts: intron variant (5).
Genome position (GRCh38, 1-based): chr2:178,649,553, C>A on the plus strand (G>T on the coding strand, the complement: TTN is on the minus strand). VCF-style: chr2-178649553-C-A. GRCh37 (hg19) VCF-style: chr2-179514280-C-A.
Other names: c.13283-7236G>T (NM_003319.4); c.13859-7236G>T (NM_133437.4); c.13658-7236G>T (NM_133432.3); c.32593+264G>T (NM_133378.4); c.35374+264G>T (NM_001256850.1).
Identifiers: ClinVar variation 3748784 (VCV003748784.2).

ClinVar aggregate classification (germline): Likely pathogenic (1 of 4 stars; one submission).

Conditions:
Dilated cardiomyopathy 1G (CMD1G). Identifiers: Orphanet 154, MedGen C1858763, MONDO:0011400, OMIM 604145.
Autosomal recessive limb-girdle muscular dystrophy type 2J (LGMDR10). Also called: Limb-girdle muscular dystrophy, type 2J; MUSCULAR DYSTROPHY, LIMB-GIRDLE, AUTOSOMAL RECESSIVE 10. Identifiers: Orphanet 140922, MedGen C1837342, MONDO:0012127, OMIM 608807.

Submission:

Labcorp Genetics (formerly Invitae), Labcorp
Classification: Likely pathogenic for Dilated cardiomyopathy 1G; Autosomal recessive limb-girdle muscular dystrophy type 2J. Last evaluated: 2024-11-08. Review status: criteria provided, single submitter. Criteria: Invitae Variant Classification Sherloc (09022015). Collection method: clinical testing. Allele origin: germline.
Comment: This sequence change affects a donor splice site in intron 212 of the TTN gene. It is expected to disrupt RNA splicing and likely results in a truncated or disrupted TTN protein. This variant is not present in population databases (gnomAD no frequency). This variant has not been reported in the literature in individuals affected with TTN-related conditions. Algorithms developed to predict the effect of sequence changes on RNA splicing suggest that this variant may disrupt the consensus splice site. This variant is located in the I band of TTN (PMID: 25589632). Truncating variants in this region have been reported in individuals affected with autosomal recessive centronuclear myopathy (PMID: 23975875, internal data). Truncating variants in this region have also been identified in individuals affected with autosomal dominant dilated cardiomyopathy and/or cardio-related conditions (PMID: 27869827, 32964742, internal data). In summary, the currently available evidence indicates that the variant is pathogenic, but additional data are needed to prove that conclusively. Therefore, this variant has been classified as Likely Pathogenic.

Literature cited by the submitters: PubMed 25589632; PubMed 23975875; PubMed 27869827; PubMed 32964742.